The following is an entry in ClinVar:

NM_000350.3(ABCA4):c.1924T>A (p.Phe642Ile)

Gene: ABCA4 (ATP binding cassette subfamily A member 4; minus strand). Cytogenetic location: 1p22.1.
Variant type: single nucleotide variant.
Coding change: c.1924T>A on transcript NM_000350.3 (MANE Select); coding-DNA position 1924, T replaced by A.
Protein change: p.Phe642Ile; replaces phenylalanine 642 with isoleucine.
Molecular consequence: missense variant.
Genome position (GRCh38, 1-based): chr1:94,062,590, A>T on the plus strand (T>A on the coding strand, the complement: ABCA4 is on the minus strand). VCF-style: chr1-94062590-A-T. GRCh37 (hg19) VCF-style: chr1-94528146-A-T.
Other names: c.1924T>A, p.Phe642Ile (NM_001425324.1); short protein forms F642I.
Identifiers: ClinVar variation 1075537 (VCV001075537.9), dbSNP rs2101078030, ClinGen allele CA341279176.

ClinVar aggregate classification (germline): Pathogenic (1 of 4 stars; one submission).

Allele frequency attached by ClinVar (database versions not stated): gnomAD exomes below 0.00001.
gnomAD v4.1: 1 of 1,614,206 alleles (0.000062%); highest among the groups gnomAD compares: South Asian, 0.0011%; no homozygotes.

Submission:

Labcorp Genetics (formerly Invitae), Labcorp
Classification: Pathogenic. Last evaluated: 2025-04-09. Review status: criteria provided, single submitter. Criteria: Invitae Variant Classification Sherloc (09022015). Collection method: clinical testing. Allele origin: germline.
Comment: This sequence change replaces phenylalanine, which is neutral and non-polar, with isoleucine, which is neutral and non-polar, at codon 642 of the ABCA4 protein (p.Phe642Ile). This variant is not present in population databases (gnomAD no frequency). This missense change has been observed in individual(s) with Stargardt disease (PMID: 24791140). It has also been observed to segregate with disease in related individuals. ClinVar contains an entry for this variant (Variation ID: 1075537). Invitae Evidence Modeling of protein sequence and biophysical properties (such as structural, functional, and spatial information, amino acid conservation, physicochemical variation, residue mobility, and thermodynamic stability) indicates that this missense variant is expected to disrupt ABCA4 protein function with a positive predictive value of 95%. For these reasons, this variant has been classified as Pathogenic.

Literature cited by the submitters: PubMed 24791140.